The following is an entry in ClinVar:

ClinVar aggregate classification (germline): Likely benign. Review status: reviewed by expert panel (3 of 4 stars). 2 submissions from 2 submitters: Likely benign (1). 1 of the submissions does not count toward it. Last evaluated 2017-06-29.

Conditions:
Hereditary cancer-predisposing syndrome. Also called: Tumor predisposition; Hereditary Cancer Syndrome; Hereditary neoplastic syndrome; Neoplastic Syndromes, Hereditary. Identifiers: Orphanet 140162, MedGen C0027672, MeSH D009386, MONDO:0015356.
Breast-ovarian cancer, familial, susceptibility to, 2 (BROVCA2). Also called: BRCA2 Hereditary Breast and Ovarian Cancer. Identifiers: Orphanet 145, MedGen C2675520, MONDO:0012933, OMIM 612555. Disease mechanism: loss of function.

Submissions (2):

Evidence-based Network for the Interpretation of Germline Mutant Alleles (ENIGMA)
Classification: Likely benign for Breast-ovarian cancer, familial, susceptibility to, 2. Last evaluated: 2017-06-29. Review status: reviewed by expert panel. Criteria: ENIGMA BRCA1/2 Classification Criteria (2017-06-29). Collection method: curation. Allele origin: germline.
Comment: Synonymous substitution variant, with low bioinformatic likelihood to result in a splicing aberration (Splicing prior probability 0.02).

Ambry Genetics
Classification: Likely benign for Hereditary cancer-predisposing syndrome. Last evaluated: 2014-04-14. Review status: criteria provided, single submitter. Criteria: Ambry Autosomal Dominant and X-Linked criteria (10/2015). Collection method: clinical testing. Allele origin: germline. Observed: 1 variant allele. Not counted in ClinVar's aggregate classification.

NM_000059.4(BRCA2):c.123C>G (p.Pro41=)

Gene: BRCA2 (BRCA2 DNA repair associated; plus strand). Cytogenetic location: 13q13.1.
Variant type: single nucleotide variant.
Coding change: c.123C>G on transcript NM_000059.4 (MANE Select); coding-DNA position 123, C replaced by G.
Protein change: p.Pro41=; no amino-acid change (proline 41 retained).
Molecular consequence: synonymous variant.
Genome position (GRCh38, 1-based): chr13:32,319,132, C>G. VCF-style: chr13-32319132-C-G. GRCh37 (hg19) VCF-style: chr13-32893269-C-G.
Identifiers: ClinVar variation 184911 (VCV000184911.5), dbSNP rs786201783, ClinGen allele CA011289.